The following is an entry in ClinVar:

ClinVar aggregate classification (germline): Uncertain significance (1 of 4 stars; one submission).

Conditions:
Opsismodysplasia (OPSMD). Also called: INPPL1-Related Opsismodysplasia. Identifiers: Orphanet 2746, MedGen C0432219, MONDO:0009785, OMIM 258480.

Submission:

Neuberg Centre For Genomic Medicine, NCGM
Classification: Uncertain significance for Opsismodysplasia. Review status: criteria provided, single submitter. Criteria: ACMG Guidelines, 2015. Collection method: clinical testing. Allele origin: germline. Inheritance: Autosomal recessive inheritance. Affected: yes.
Comment: The splice region c.1497+5G>C variant in INPPL1 gene has not been reported previously as a pathogenic variant nor as a benign variant, to our knowledge. The c.1497+5G>C variant is novel not in any individuals in gnomAD Exomes and 1000 Genomes. This variant has not been reported to the ClinVar database. The Splice AI predicts a score of 0.6. For these reasons, this variant has been classified as Variant of Uncertain Significance VUS.

NM_001567.4(INPPL1):c.1497+5G>C

Gene: INPPL1 (inositol polyphosphate phosphatase like 1; plus strand). Cytogenetic location: 11q13.4.
Variant type: single nucleotide variant.
Coding change: c.1497+5G>C on transcript NM_001567.4 (MANE Select); 5 bases into the intron after coding-DNA position 1497, G replaced by C.
Molecular consequence: intron variant.
Genome position (GRCh38, 1-based): chr11:72,231,194, G>C. VCF-style: chr11-72231194-G-C. GRCh37 (hg19) VCF-style: chr11-71942238-G-C.
Identifiers: ClinVar variation 3234869 (VCV003234869.1), dbSNP rs763647285, ClinGen allele CA224376382.